The following is an entry in ClinVar:

ClinVar aggregate classification (germline): Uncertain significance (1 of 4 stars; one submission).

Conditions:
Gamma-aminobutyric acid transaminase deficiency (GABATD). Also called: GABA transaminase deficiency; Gamma aminobutyrate transaminase deficiency; 4 alpha aminobutyrate transaminase deficiency; GABA aminotransaminase deficiency. Identifiers: Orphanet 2066, MedGen C0342708, MONDO:0013166, OMIM 613163.

Allele frequency attached by ClinVar (database versions not stated): gnomAD exomes below 0.00001 and 0.00001; ExAC 0.00001.
gnomAD v4.1: 13 of 1,611,642 alleles (0.00081%); highest among the groups gnomAD compares: African/African-American, 0.016%; no homozygotes.

Submission:

Labcorp Genetics (formerly Invitae), Labcorp
Classification: Uncertain significance for Gamma-aminobutyric acid transaminase deficiency. Last evaluated: 2025-03-17. Review status: criteria provided, single submitter. Criteria: Invitae Variant Classification Sherloc (09022015). Collection method: clinical testing. Allele origin: germline.
Comment: This sequence change falls in intron 15 of the ABAT gene. It does not directly change the encoded amino acid sequence of the ABAT protein. It affects a nucleotide within the consensus splice site. This variant is present in population databases (rs777241102, gnomAD 0.02%). This variant has not been reported in the literature in individuals affected with ABAT-related conditions. ClinVar contains an entry for this variant (Variation ID: 1432157). Variants that disrupt the consensus splice site are a relatively common cause of aberrant splicing (PMID: 17576681, 9536098). Algorithms developed to predict the effect of sequence changes on RNA splicing suggest that this variant is not likely to affect RNA splicing. In summary, the available evidence is currently insufficient to determine the role of this variant in disease. Therefore, it has been classified as a Variant of Uncertain Significance.

Literature cited by the submitters: PubMed 17576681; PubMed 9536098.

NM_020686.6(ABAT):c.1381+6G>A

Gene: ABAT (4-aminobutyrate aminotransferase; plus strand). Cytogenetic location: 16p13.2.
Variant type: single nucleotide variant.
Coding change: c.1381+6G>A on transcript NM_020686.6 (MANE Select); 6 bases into the intron after coding-DNA position 1381, G replaced by A.
Molecular consequence: intron variant.
Genome position (GRCh38, 1-based): chr16:8,779,596, G>A. VCF-style: chr16-8779596-G-A. GRCh37 (hg19) VCF-style: chr16-8873453-G-A.
Other names: c.1381+6G>A (NM_001127448.2, NM_001386602.1, NM_001386603.1 and 5 more transcripts); c.1477+6G>A (NM_001386615.1); c.1270-1713G>A (NM_001386609.1); c.1342+6G>A (NM_001386605.1); c.1318+6G>A (NM_001386607.1, NM_001386606.1); c.1288+6G>A (NM_001386608.1); c.1246+6G>A (NM_001386610.1, NM_001386611.1); c.1135+6G>A (NM_001386614.1); and 1 more.
Identifiers: ClinVar variation 1432157 (VCV001432157.4), dbSNP rs777241102, ClinGen allele CA7893535.